The following is an entry in ClinVar:

ClinVar aggregate classification (germline): Benign (1 of 4 stars; one submission).

Allele frequency attached by ClinVar (database versions not stated): gnomAD exomes 0.26106; ExAC 0.26928; gnomAD 0.30558; TOPMed 0.31893; ESP Exome Variant Server 0.32470; 1000 Genomes Project 0.32947; 1000 Genomes Project 30x 0.33370.
gnomAD v4.1: 375,652 of 1,412,620 alleles (27%); highest among the groups gnomAD compares: African/African-American, 46%; 52,930 homozygotes.

Submission:

Unidad de Genómica Garrahan, Hospital de Pediatría Garrahan
Classification: Benign. Last evaluated: 2024-07-15. Review status: criteria provided, single submitter. Criteria: ACMG Guidelines, 2015. Collection method: clinical testing. Allele origin: germline. Affected: no. Observed: 37 variant alleles.
Comment: This variant is classified as Benign based on local population frequency. This variant was detected in 40% of patients studied in a panel designed for Epileptic and Developmental Encephalopathy and Progressive Myoclonus Epilepsy. Number of patients: 37. Only high quality variants are reported.

NM_020822.3(KCNT1):c.3502+1528T>C

Gene: KCNT1 (potassium sodium-activated channel subfamily T member 1; plus strand). Cytogenetic location: 9q34.3.
Variant type: single nucleotide variant.
Coding change: c.3502+1528T>C on transcript NM_020822.3 (MANE Select); 1528 bases into the intron after coding-DNA position 3502, T replaced by C.
Molecular consequence: intron variant.
Genome position (GRCh38, 1-based): chr9:135,788,049, T>C. VCF-style: chr9-135788049-T-C. GRCh37 (hg19) VCF-style: chr9-138679895-T-C.
Other names: c.3368-51T>C (NM_001272003.2).
Identifiers: ClinVar variation 3255281 (VCV003255281.2), dbSNP rs11103190.
Genomic context (GRCh38, chr9:135,788,049, plus strand): 5'-TCCCGTGCAGCTGCCCCTGCACCCGCCCACTGTGCCGGCCGCCCGCACCTCGCTTGCTGA[T>C]ATTCTCTCTCTCTCTCTTTCTGTCTGTGCCTCTTTCTGTGTGTTCTGTAGAGGACGTAGC-3'